The following is an entry in ClinVar:

NM_001458.5(FLNC):c.970-5A>G

Gene: FLNC (filamin C; plus strand). Cytogenetic location: 7q32.1.
Variant type: single nucleotide variant.
Coding change: c.970-5A>G on transcript NM_001458.5 (MANE Select); 5 bases into the intron before coding-DNA position 970, A replaced by G.
Molecular consequence: intron variant.
Genome position (GRCh38, 1-based): chr7:128,837,982, A>G. VCF-style: chr7-128837982-A-G. GRCh37 (hg19) VCF-style: chr7-128478036-A-G.
Other names: c.970-5A>G (NM_001127487.2).
Identifiers: ClinVar variation 539519 (VCV000539519.20), dbSNP rs199755800, ClinGen allele CA4474187.

ClinVar aggregate classification (germline): Conflicting classifications of pathogenicity. Review status: criteria provided, conflicting classifications (1 of 4 stars). 5 submissions from 5 submitters: Uncertain significance (1); Likely benign (4). Last evaluated 2026-09-12.

Conditions:
Hypertrophic cardiomyopathy 26. Also called: Cardiomyopathy, familial hypertrophic, 26. Identifiers: Orphanet 75249, MedGen C4310749, MONDO:0014883, OMIM 617047.
Distal myopathy with posterior leg and anterior hand involvement. Also called: WILLIAMS DISTAL MYOPATHY. Identifiers: Orphanet 63273, MedGen C3279722, MONDO:0013550, OMIM 614065.
Myofibrillar myopathy 5. Also called: Filaminopathy (type); FILAMINOPATHY, AUTOSOMAL DOMINANT. Identifiers: Orphanet 171445, MedGen C1836050, MONDO:0012289, OMIM 609524.
FLNC-related disorder. Also called: FLNC-related disorders; FLNC-related condition.
Cardiovascular phenotype. Identifiers: MedGen CN230736.

Allele frequency attached by ClinVar (database versions not stated): ExAC 0.00002; gnomAD exomes 0.00002 and 0.00004; TOPMed 0.00006; gnomAD 0.00009.

Submissions (5):

PreventionGenetics, part of Exact Sciences
Classification: Likely benign for FLNC-related condition. Last evaluated: 2026-09-12. Review status: criteria provided, single submitter. Criteria: ACMG Guidelines, 2015. Collection method: clinical testing. Allele origin: germline.
Comment: This variant is classified as likely benign based on ACMG/AMP sequence variant interpretation guidelines (Richards et al. 2015 PMID: 25741868, with internal and published modifications).

Labcorp Genetics (formerly Invitae), Labcorp
Classification: Likely benign for Distal myopathy with posterior leg and anterior hand involvement; Myofibrillar myopathy 5; Hypertrophic cardiomyopathy 26. Last evaluated: 2026-01-21. Review status: criteria provided, single submitter. Criteria: Invitae Variant Classification Sherloc (09022015). Collection method: clinical testing. Allele origin: germline.

Ambry Genetics
Classification: Uncertain significance for Cardiovascular phenotype. Last evaluated: 2025-04-13. Review status: criteria provided, single submitter. Criteria: Ambry Variant Classification Scheme 2023. Collection method: clinical testing. Allele origin: germline.
Comment: The c.970-5A>G intronic variant results from an A to G substitution 5 nucleotides upstream from coding exon 6 in the FLNC gene. This nucleotide position is poorly conserved in available vertebrate species. In silico splice site analysis predicts that this alteration will not have any significant effect on splicing. Since supporting evidence is limited at this time, the clinical significance of this alteration remains unclear.

Blueprint Genetics
Classification: Likely benign. Last evaluated: 2023-01-17. Review status: criteria provided, single submitter. Criteria: ACMG Guidelines, 2015. Collection method: clinical testing. Allele origin: germline.

GeneDx
Classification: Likely benign. Last evaluated: 2018-12-31. Review status: criteria provided, single submitter. Criteria: GeneDx Variant Classification Process June 2021. Collection method: clinical testing. Allele origin: germline. Affected: yes.